The following is an entry in ClinVar:

NM_031935.3(HMCN1):c.3328A>G (p.Ile1110Val)

Gene: HMCN1 (hemicentin 1; plus strand). Cytogenetic location: 1q31.1.
Variant type: single nucleotide variant.
Coding change: c.3328A>G on transcript NM_031935.3 (MANE Select); coding-DNA position 3328, A replaced by G.
Protein change: p.Ile1110Val; replaces isoleucine 1110 with valine.
Molecular consequence: missense variant.
Genome position (GRCh38, 1-based): chr1:185,990,394, A>G. VCF-style: chr1-185990394-A-G. GRCh37 (hg19) VCF-style: chr1-185959526-A-G.
Other names: c.3328A>G (NM_031935.2); short protein forms I1110V.
Identifiers: ClinVar variation 3668421 (VCV003668421.3).
Genomic context (GRCh38, chr1:185,990,394, plus strand): 5'-TCCGTCCTTGCAGGGGAAGAGGTAACACTTCCATGTGAAGTGAAGAGCTTACCTCCACCC[A>G]TAATTACTTGGGCCAAAGAAACCCAGCTCATCTCACCGTTCTCTCCAAGGTAGGAGATCT-3'
Protein context (NP_114141.2, residues 1100-1120): PCEVKSLPPP[Ile1110Val]ITWAKETQLI

ClinVar aggregate classification (germline): Uncertain significance. Review status: criteria provided, multiple submitters, no conflicts (2 of 4 stars). 2 submissions from 2 submitters: Uncertain significance (2). Last evaluated 2025-10-29.

gnomAD v4.1: 1 of 1,614,104 alleles (0.000062%); highest among the groups gnomAD compares: Non-Finnish European, 0.000085%; no homozygotes.

Submissions (2):

Ambry Genetics
Classification: Uncertain significance. Last evaluated: 2025-10-29. Review status: criteria provided, single submitter. Criteria: Ambry Variant Classification Scheme 2023. Collection method: clinical testing. Allele origin: germline.

Labcorp Genetics (formerly Invitae), Labcorp
Classification: Uncertain significance. Last evaluated: 2025-03-17. Review status: criteria provided, single submitter. Criteria: Invitae Variant Classification Sherloc (09022015). Collection method: clinical testing. Allele origin: germline.
Comment: This sequence change replaces isoleucine, which is neutral and non-polar, with valine, which is neutral and non-polar, at codon 1110 of the HMCN1 protein (p.Ile1110Val). This variant is not present in population databases (gnomAD no frequency). This variant has not been reported in the literature in individuals affected with HMCN1-related conditions. An algorithm developed to predict the effect of missense changes on protein structure and function outputs the following: PolyPhen-2: "Benign". The valine amino acid residue is found in multiple mammalian species, which suggests that this missense change does not adversely affect protein function. In summary, the available evidence is currently insufficient to determine the role of this variant in disease. Therefore, it has been classified as a Variant of Uncertain Significance.